The following is an entry in ClinVar:

NM_000260.4(MYO7A):c.1300G>A (p.Gly434Ser)

Gene: MYO7A (myosin VIIA; plus strand). Cytogenetic location: 11q13.5.
Variant type: single nucleotide variant.
Coding change: c.1300G>A on transcript NM_000260.4 (MANE Select); coding-DNA position 1300, G replaced by A.
Protein change: p.Gly434Ser; replaces glycine 434 with serine.
Molecular consequence: missense variant.
Genome position (GRCh38, 1-based): chr11:77,161,072, G>A. VCF-style: chr11-77161072-G-A. GRCh37 (hg19) VCF-style: chr11-76872118-G-A.
Other names: c.1300G>A, p.Gly434Ser (NM_001127180.2); c.1267G>A, p.Gly423Ser (NM_001369365.1); short protein forms G434S, G423S.
Identifiers: ClinVar variation 2154978 (VCV002154978.2), dbSNP rs145544778, ClinGen allele CA6197449.
Genomic context (GRCh38, chr11:77,161,072, plus strand): 5'-ATCAACGCAGCAATTTACAAGCCTCCCTCCCAGGATGTGAAGAACTCTCGCAGGTCCATC[G>A]GCCTCCTGGACATCTTTGGGTTTGAGAACTTTGCTGTGAACAGGTACCGCGTGGGGCTCT-3'
Protein context (NP_000251.3, residues 424-444): QDVKNSRRSI[Gly434Ser]LLDIFGFENF

ClinVar aggregate classification (germline): Uncertain significance (1 of 4 stars; one submission).

Allele frequency attached by ClinVar (database versions not stated): TOPMed 0.00002; gnomAD 0.00003; 1000 Genomes Project 0.00040; 1000 Genomes Project 30x 0.00047.

Submission:

Labcorp Genetics (formerly Invitae), Labcorp
Classification: Uncertain significance. Last evaluated: 2025-05-05. Review status: criteria provided, single submitter. Criteria: Invitae Variant Classification Sherloc (09022015). Collection method: clinical testing. Allele origin: germline.
Comment: This sequence change replaces glycine, which is neutral and non-polar, with serine, which is neutral and polar, at codon 434 of the MYO7A protein (p.Gly434Ser). This variant is present in population databases (rs145544778, gnomAD 0.01%). This variant has not been reported in the literature in individuals affected with MYO7A-related conditions. ClinVar contains an entry for this variant (Variation ID: 2154978). Invitae Evidence Modeling of protein sequence and biophysical properties (such as structural, functional, and spatial information, amino acid conservation, physicochemical variation, residue mobility, and thermodynamic stability) indicates that this missense variant is expected to disrupt MYO7A protein function with a positive predictive value of 95%. In summary, the available evidence is currently insufficient to determine the role of this variant in disease. Therefore, it has been classified as a Variant of Uncertain Significance.